The following is an entry in ClinVar:

NM_003743.5(NCOA1):c.1893C>A (p.His631Gln)

Gene: NCOA1 (nuclear receptor coactivator 1; plus strand). Cytogenetic location: 2p23.3.
Variant type: single nucleotide variant.
Coding change: c.1893C>A on transcript NM_003743.5 (MANE Select); coding-DNA position 1893, C replaced by A.
Protein change: p.His631Gln; replaces histidine 631 with glutamine.
Molecular consequence: missense variant.
Genome position (GRCh38, 1-based): chr2:24,707,363, C>A. VCF-style: chr2-24707363-C-A. GRCh37 (hg19) VCF-style: chr2-24930232-C-A.
Other names: c.1893C>A, p.His631Gln (NM_001362950.1, NM_001362952.1, NM_001362954.1 and 3 more transcripts); short protein forms H631Q.
Identifiers: ClinVar variation 4983839 (VCV004983839.1).

ClinVar aggregate classification (germline): Uncertain significance (1 of 4 stars; one submission).

Conditions:
NCOA1-related disorder. Also called: NCOA1-related condition.

gnomAD v4.1: 15 of 1,614,098 alleles (0.00093%); highest among the groups gnomAD compares: Non-Finnish European, 0.0013%; no homozygotes.

Submission:

PreventionGenetics, part of Exact Sciences
Classification: Uncertain significance for NCOA1-related condition. Last evaluated: 2025-10-24. Review status: criteria provided, single submitter. Criteria: ACMG Guidelines, 2015. Collection method: clinical testing. Allele origin: germline.
Comment: The NCOA1 c.1893C>A variant is predicted to result in the amino acid substitution p.His631Gln. To our knowledge, this variant has not been reported in the literature. This variant is reported in 0.00088% of alleles in individuals of European (Non-Finnish) descent in gnomAD. At this time, the clinical significance of this variant is uncertain due to the absence of conclusive functional and genetic evidence.